The following is an entry in ClinVar:

NM_001129.5(AEBP1):c.1693C>A (p.His565Asn)

Gene: AEBP1 (AE binding protein 1; plus strand). Cytogenetic location: 7p13.
Variant type: single nucleotide variant.
Coding change: c.1693C>A on transcript NM_001129.5 (MANE Select); coding-DNA position 1693, C replaced by A.
Protein change: p.His565Asn; replaces histidine 565 with asparagine.
Molecular consequence: missense variant.
Genome position (GRCh38, 1-based): chr7:44,111,216, C>A. VCF-style: chr7-44111216-C-A. GRCh37 (hg19) VCF-style: chr7-44150815-C-A.
Other names: short protein forms H565N.
Identifiers: ClinVar variation 2055875 (VCV002055875.4), dbSNP rs2096229025, ClinGen allele CA367366414.

ClinVar aggregate classification (germline): Uncertain significance (1 of 4 stars; one submission).

Allele frequency attached by ClinVar (database versions not stated): gnomAD exomes below 0.00001; TOPMed below 0.00001.
gnomAD v4.1: 1 of 1,515,952 alleles (0.000066%); highest among the groups gnomAD compares: Non-Finnish European, 0.000088%; no homozygotes.

Submission:

Labcorp Genetics (formerly Invitae), Labcorp
Classification: Uncertain significance. Last evaluated: 2021-12-23. Review status: criteria provided, single submitter. Criteria: Invitae Variant Classification Sherloc (09022015). Collection method: clinical testing. Allele origin: germline.
Comment: In summary, the available evidence is currently insufficient to determine the role of this variant in disease. Therefore, it has been classified as a Variant of Uncertain Significance. Algorithms developed to predict the effect of missense changes on protein structure and function are either unavailable or do not agree on the potential impact of this missense change (SIFT: "Deleterious"; PolyPhen-2: "Probably Damaging"; Align-GVGD: "Class C0"). This variant has not been reported in the literature in individuals affected with AEBP1-related conditions. This variant is not present in population databases (gnomAD no frequency). This sequence change replaces histidine, which is basic and polar, with asparagine, which is neutral and polar, at codon 565 of the AEBP1 protein (p.His565Asn).